The following is an entry in ClinVar:

NM_000216.4(ANOS1):c.1014dup (p.Lys339Ter)

Gene: ANOS1 (anosmin 1; minus strand). Cytogenetic location: Xp22.31.
Variant type: Duplication.
Coding change: c.1014dup on transcript NM_000216.4 (MANE Select); coding-DNA position 1014, one base duplicated (T; older notation c.1014dupT).
Protein change: p.Lys339Ter; replaces lysine 339 with a stop codon.
Molecular consequence: nonsense.
Genome position (GRCh38, 1-based): chrX:8,570,547, A duplicated on the plus strand (T on the coding strand, the reverse complement: ANOS1 is on the minus strand). VCF-style (leftmost placement, unchanged base first): chrX-8570546-T-TA. GRCh37 (hg19) VCF-style: chrX-8538587-T-TA.
Other names: c.1014dup, p.Lys339Ter (NM_001440775.1); short protein forms K339*.
Identifiers: ClinVar variation 4294483 (VCV004294483.1).

ClinVar aggregate classification (germline): Likely pathogenic (1 of 4 stars; one submission).

Conditions:
Hypogonadotropic hypogonadism 1 with or without anosmia (HH1). Also called: Kallmann syndrome, type 1, X-linked; DYSPLASIA OLFACTOGENITALIS OF DE MORSIER; HYPOGONADOTROPIC HYPOGONADISM 1 WITH ANOSMIA; KAL1-Related GnRH Deficiency (Kallmann Syndrome 1; Kallmann Syndrome, X-Linked); Hypogonadotropic hypogonadism 1 with or without anosmia (Kallmann syndrome 1); HYPOGONADOTROPIC HYPOGONADISM AND ANOSMIA. Identifiers: Orphanet 478, MedGen C1563719, MONDO:0010635, OMIM 308700. Disease mechanism: loss of function.

Submission:

Molecular Genetics Department, Kulakov National Medical Research Center for Obstetrics, Gynecology and Perinatology
Classification: Likely pathogenic for Hypogonadotropic hypogonadism 1 with or without anosmia. Review status: criteria provided, single submitter. Criteria: ACMG Guidelines, 2015. Collection method: clinical testing. Allele origin: germline. Affected: yes. Observed: 1 variant allele.
Comment: A previously undescribed hemizygous nucleotide variant creates a frameshift p.Lys339Ter in the ANOS1 gene. Hemizygous variants are reported in patients with hypogonadotropic hypogonadism 1 with or without anosmia (Kallmann syndrome 1), 308700. The variant is not present in population database (gnomAD no frequency). In summary, the currently available evidence indicates that the variant is pathogenic, but additional data are needed to prove that conclusively. Therefore, this variant has been classified as likely pathogenic.